The following is an entry in ClinVar:

ClinVar aggregate classification (germline): Conflicting classifications of pathogenicity. Review status: criteria provided, conflicting classifications (1 of 4 stars). 6 submissions from 6 submitters: Uncertain significance (3); Likely benign (3). Last evaluated 2026-01-19.

Conditions:
Hereditary cancer-predisposing syndrome. Also called: Neoplastic Syndromes, Hereditary; Hereditary Cancer Syndrome; Tumor predisposition; Hereditary neoplastic syndrome. Identifiers: Orphanet 140162, MedGen C0027672, MeSH D009386, MONDO:0015356.
Familial cancer of breast. Also called: hereditary breast carcinoma; Hereditary breast cancer; BREAST CANCER, FAMILIAL. Identifiers: Orphanet 227535, MedGen C0346153, MONDO:0016419, OMIM 114480. Disease mechanism: loss of function.
CHEK2-related cancer predisposition (TPDS4). Also called: CHEK2-related cancer susceptibility; TUMOR PREDISPOSITION SYNDROME 4; CANCER PREDISPOSITION SYNDROME, CHEK2-RELATED. Identifiers: Orphanet 524, MedGen C5882668, MONDO:0700271, OMIM 609265.

Allele frequency attached by ClinVar (database versions not stated): gnomAD 0.00001; TOPMed 0.00002.
gnomAD v4.1: 37 of 1,555,366 alleles (0.0024%); highest among the groups gnomAD compares: Non-Finnish European, 0.003%; no homozygotes.

Submissions (6):

Labcorp Genetics (formerly Invitae), Labcorp
Classification: Likely benign for Familial cancer of breast. Last evaluated: 2026-01-19. Review status: criteria provided, single submitter. Criteria: Invitae Variant Classification Sherloc (09022015). Collection method: clinical testing. Allele origin: germline.

Blueprint Genetics
Classification: Uncertain significance. Last evaluated: 2024-10-30. Review status: criteria provided, single submitter. Criteria: ACMG Guidelines, 2015. Collection method: clinical testing. Allele origin: germline.

Myriad Genetics, Inc.
Classification: Likely benign for Familial cancer of breast. Last evaluated: 2024-10-08. Review status: criteria provided, single submitter. Criteria: Myriad Autosomal Dominant, Autosomal Recessive and X-Linked Classification Criteria (2023). Collection method: clinical testing. Allele origin: unknown.
Comment: This variant is considered likely benign. This variant is intronic and is not expected to impact mRNA splicing.

GeneDx
Classification: Uncertain significance. Last evaluated: 2024-05-05. Review status: criteria provided, single submitter. Criteria: GeneDx Variant Classification Process June 2021. Collection method: clinical testing. Allele origin: germline. Affected: yes.
Comment: Not observed at significant frequency in large population cohorts (gnomAD); In silico analysis indicates that this variant does not alter splicing; Has not been previously published as pathogenic or benign to our knowledge

Department of Pathology and Laboratory Medicine, Sinai Health System
Classification: Uncertain significance for CHEK2-related cancer predisposition. Last evaluated: 2024-03-04. Review status: criteria provided, single submitter. Criteria: ACMG Guidelines, 2015. Collection method: clinical testing. Allele origin: germline. Affected: yes.

Color Diagnostics, LLC DBA Color Health
Classification: Likely benign for Hereditary cancer-predisposing syndrome. Last evaluated: 2020-07-13. Review status: criteria provided, single submitter. Criteria: ACMG Guidelines, 2015. Collection method: clinical testing. Allele origin: germline.

NM_007194.4(CHEK2):c.1376-12T>C

Gene: CHEK2 (checkpoint kinase 2; minus strand). Cytogenetic location: 22q12.1.
Variant type: single nucleotide variant.
Coding change: c.1376-12T>C on transcript NM_007194.4 (MANE Select); 12 bases into the intron before coding-DNA position 1376, T replaced by C.
Molecular consequence: intron variant.
Genome position (GRCh38, 1-based): chr22:28,694,129, A>G on the plus strand (T>C on the coding strand, the complement: CHEK2 is on the minus strand). VCF-style: chr22-28694129-A-G. GRCh37 (hg19) VCF-style: chr22-29090117-A-G.
Other names: c.713-12T>C (NM_001437942.1, NM_001257387.3); c.1175-12T>C (NM_001349956.3); c.1289-12T>C (NM_145862.3); c.1382-12T>C (NM_001438295.1); c.1469-12T>C (NM_001438293.1); c.1418-12T>C (NM_001438294.1); c.1505-12T>C (NM_001005735.3).
Identifiers: ClinVar variation 234285 (VCV000234285.20), dbSNP rs876660970, ClinGen allele CA10577631.
Genomic context (GRCh38, chr22:28,694,129, plus strand): 5'-AAACGTGCCTTTGGATCCACTACCAACAACTTCTTGACAAGGTCCAGAGCTAAAGCAACA[A>G]TTGGGCAAATCACAGTGAAAAGGATAAATATATTATCAGTAAGAGTATGCCAGAATTAAC-3'